The following is an entry in ClinVar:

NM_000540.3(RYR1):c.5047G>A (p.Ala1683Thr)

Gene: RYR1 (ryanodine receptor 1; plus strand). Cytogenetic location: 19q13.2.
Variant type: single nucleotide variant.
Coding change: c.5047G>A on transcript NM_000540.3 (MANE Select); coding-DNA position 5047, G replaced by A.
Protein change: p.Ala1683Thr; replaces alanine 1683 with threonine.
Molecular consequence: missense variant.
Genome position (GRCh38, 1-based): chr19:38,485,702, G>A. VCF-style: chr19-38485702-G-A. GRCh37 (hg19) VCF-style: chr19-38976342-G-A.
Other names: c.5047G>A, p.Ala1683Thr (NM_001042723.2); short protein forms A1683T.
Identifiers: ClinVar variation 1060522 (VCV001060522.10), dbSNP rs1455863679, ClinGen allele CA405653357.

ClinVar aggregate classification (germline): Uncertain significance. Review status: criteria provided, multiple submitters, no conflicts (2 of 4 stars). 2 submissions from 2 submitters: Uncertain significance (2). Last evaluated 2024-08-06.

Conditions:
RYR1-related disorder. Also called: RYR1-related disorders; RYR1-related condition. Identifiers: MedGen CN239331.
Malignant hyperthermia, susceptibility to, 1 (MHS1). Also called: RYR1-Related Malignant Hyperthermia Susceptibility; Anesthesia related hyperthermia; Malignant hyperpyrexia; Fulminating hyperpyrexia; Pharmacogenic myopathy; Malignant hyperthermia suceptibility 1. Identifiers: Orphanet 423, MedGen C2930980, MONDO:0007783, OMIM 145600.

Allele frequency attached by ClinVar (database versions not stated): TOPMed below 0.00001; gnomAD 0.00001; gnomAD exomes 0.00001.
gnomAD v4.1: 8 of 1,611,354 alleles (0.0005%); highest among the groups gnomAD compares: Non-Finnish European, 0.00059%; no homozygotes.

Submissions (2):

All of Us Research Program, National Institutes of Health
Classification: Uncertain significance for Malignant hyperthermia, susceptibility to, 1. Last evaluated: 2024-08-06. Review status: criteria provided, single submitter. Criteria: ACMG Guidelines, 2015. Collection method: clinical testing. Allele origin: germline. Inheritance: Autosomal dominant inheritance. Observed: 1 variant allele, 1 heterozygote.
Comment: This study involves interpretation of variants in research participants for the purpose of population health screening. Participant phenotype was not available at the time of variant classification. Additional details can be found in publication PMID: 35346344, PMCID: PMC8962531

Labcorp Genetics (formerly Invitae), Labcorp
Classification: Uncertain significance for RYR1-related disorder. Last evaluated: 2022-08-23. Review status: criteria provided, single submitter. Criteria: Invitae Variant Classification Sherloc (09022015). Collection method: clinical testing. Allele origin: germline.
Comment: In summary, the available evidence is currently insufficient to determine the role of this variant in disease. Therefore, it has been classified as a Variant of Uncertain Significance. Algorithms developed to predict the effect of missense changes on protein structure and function are either unavailable or do not agree on the potential impact of this missense change (SIFT: "Deleterious"; PolyPhen-2: "Possibly Damaging"; Align-GVGD: "Class C0"). ClinVar contains an entry for this variant (Variation ID: 1060522). This variant has not been reported in the literature in individuals affected with RYR1-related conditions. This variant is not present in population databases (gnomAD no frequency). This sequence change replaces alanine, which is neutral and non-polar, with threonine, which is neutral and polar, at codon 1683 of the RYR1 protein (p.Ala1683Thr).